The following is an entry in ClinVar:

ClinVar aggregate classification (germline): Likely benign (1 of 4 stars; one submission).

Conditions:
FNBP4-related disorder. Also called: FNBP4-related condition.

Submission:

PreventionGenetics, part of Exact Sciences
Classification: Likely benign for FNBP4-related condition. Last evaluated: 2024-10-27. Review status: criteria provided, single submitter. Criteria: ACMG Guidelines, 2015. Collection method: clinical testing. Allele origin: germline.
Comment: This variant is classified as likely benign based on ACMG/AMP sequence variant interpretation guidelines (Richards et al. 2015 PMID: 25741868, with internal and published modifications).

NM_015308.5(FNBP4):c.220+15G>T

Gene: FNBP4 (formin binding protein 4; minus strand). Cytogenetic location: 11p11.2.
Variant type: single nucleotide variant.
Coding change: c.220+15G>T on transcript NM_015308.5 (MANE Select); 15 bases into the intron after coding-DNA position 220, G replaced by T.
Molecular consequence: intron variant.
Genome position (GRCh38, 1-based): chr11:47,767,054, C>A on the plus strand (G>T on the coding strand, the complement: FNBP4 is on the minus strand). VCF-style: chr11-47767054-C-A. GRCh37 (hg19) VCF-style: chr11-47788606-C-A.
Other names: c.220+15G>T (NM_001441104.1, NM_001441106.1, NM_001441102.1 and 3 more transcripts); c.226+9G>T (NM_001441103.1, NM_001441107.1, NM_001441108.1 and 6 more transcripts).
Identifiers: ClinVar variation 4997260 (VCV004997260.1).